The following is an entry in ClinVar:

ClinVar aggregate classification (germline): Pathogenic (1 of 4 stars; one submission).

Conditions:
Congenital myasthenic syndrome 11. Also called: MYASTHENIC SYNDROME, CONGENITAL, Ie; Myasthenic syndrome, congenital, 11, associated with acetylcholine receptor deficiency. Identifiers: Orphanet 590, MedGen C4225367, MONDO:0014588, OMIM 616326.
Fetal akinesia deformation sequence 1 (FADS1). Also called: Pena-Shokeir syndrome type I; Fetal akinesia sequence. Identifiers: Orphanet 994, MedGen C1276035, MONDO:0100101, OMIM 208150, HP:0001989.

Submission:

Labcorp Genetics (formerly Invitae), Labcorp
Classification: Pathogenic for Congenital myasthenic syndrome 11; Fetal akinesia deformation sequence 1. Last evaluated: 2023-10-25. Review status: criteria provided, single submitter. Criteria: Invitae Variant Classification Sherloc (09022015). Collection method: clinical testing. Allele origin: germline.
Comment: This sequence change creates a premature translational stop signal (p.Glu94Argfs*34) in the RAPSN gene. It is expected to result in an absent or disrupted protein product. Loss-of-function variants in RAPSN are known to be pathogenic (PMID: 17686188). This variant is not present in population databases (gnomAD no frequency). This variant has not been reported in the literature in individuals affected with RAPSN-related conditions. For these reasons, this variant has been classified as Pathogenic.

Literature cited by the submitters: PubMed 17686188.

NM_005055.5(RAPSN):c.280del (p.Glu94fs)

Gene: RAPSN (receptor associated protein of the synapse; minus strand). Cytogenetic location: 11p11.2.
Variant type: Deletion.
Coding change: c.280del on transcript NM_005055.5 (MANE Select); coding-DNA position 280, one base deleted (G; older notation c.280delG).
Protein change: p.Glu94fs; shifts the reading frame from glutamic acid 94.
Molecular consequence: frameshift variant.
Genome position (GRCh38, 1-based): chr11:47,448,063, C deleted on the plus strand (G on the coding strand, the reverse complement: RAPSN is on the minus strand). VCF-style (leftmost placement, unchanged base first): chr11-47448062-TC-T. GRCh37 (hg19) VCF-style: chr11-47469614-TC-T.
Other names: c.280del, p.Glu94fs (NM_032645.5); short protein forms E94fs.
Identifiers: ClinVar variation 2953282 (VCV002953282.3), dbSNP rs2496131191, ClinGen allele CA2740093718.